The following is an entry in ClinVar:

ClinVar aggregate classification (germline): Pathogenic (1 of 4 stars; one submission).

Conditions:
Neurofibromatosis, type 1 (NF1). Also called: NEUROFIBROMATOSIS, TYPE I, SOMATIC; VON RECKLINGHAUSEN DISEASE; Peripheral type neurofibromatosis; Neurofibromatosis, type I. Identifiers: Orphanet 636, MedGen C0027831, MONDO:0018975, OMIM 162200. Disease mechanism: loss of function.

Submission:

Labcorp Genetics (formerly Invitae), Labcorp
Classification: Pathogenic for Neurofibromatosis, type 1. Last evaluated: 2025-08-30. Review status: criteria provided, single submitter. Criteria: Invitae Variant Classification Sherloc (09022015). Collection method: clinical testing. Allele origin: germline.
Comment: This sequence change creates a premature translational stop signal (p.Ile177Lysfs*14) in the NF1 gene. It is expected to result in an absent or disrupted protein product. Loss-of-function variants in NF1 are known to be pathogenic (PMID: 10712197, 23913538). This variant is not present in population databases (gnomAD no frequency). This variant has not been reported in the literature in individuals affected with NF1-related conditions. For these reasons, this variant has been classified as Pathogenic.

Literature cited by the submitters: PubMed 10712197; PubMed 23913538.

NM_001042492.3(NF1):c.530del (p.Ile177fs)

Gene: NF1 (neurofibromin 1; plus strand). Cytogenetic location: 17q11.2.
Variant type: Deletion.
Coding change: c.530del on transcript NM_001042492.3 (MANE Select); coding-DNA position 530, one base deleted (T; older notation c.530delT).
Protein change: p.Ile177fs; shifts the reading frame from isoleucine 177.
Molecular consequence: frameshift variant.
Genome position (GRCh38, 1-based): chr17:31,169,941, T deleted. VCF-style (leftmost placement, unchanged base first): chr17-31169940-AT-A. GRCh37 (hg19) VCF-style: chr17-29496958-AT-A.
Other names: c.530del, p.Ile177fs (NM_000267.4, NM_001128147.3); short protein forms I177fs.
Identifiers: ClinVar variation 4726310 (VCV004726310.1).
Genomic context (GRCh38, chr17:31,169,940, plus strand): 5'-TTACTTTTTAGGTTACAGGAATTAACTGTTTGTTCAGAAGACAATGTTGATGTTCATGAT[AT>A]AGAATTGTTACAGTATATCAATGTGGATTGTGCAAAATTAAAACGACTCCTGAAGGGTAA-3'